The following is an entry in ClinVar:

ClinVar aggregate classification (germline): Uncertain significance. Review status: criteria provided, multiple submitters, no conflicts (2 of 4 stars). 3 submissions from 3 submitters: Uncertain significance (3). Last evaluated 2025-12-15.

Conditions:
Familial adenomatous polyposis 1 (FAP1). Also called: POLYPOSIS, ADENOMATOUS INTESTINAL; FAMILIAL ADENOMATOUS POLYPOSIS 1, ATTENUATED. Identifiers: MedGen C2713442, MONDO:0021056, OMIM 175100. Disease mechanism: loss of function.
Classic or attenuated familial adenomatous polyposis. Identifiers: MedGen CN372698, MONDO:0021057.
Hereditary cancer-predisposing syndrome. Also called: Neoplastic Syndromes, Hereditary; Hereditary Cancer Syndrome; Tumor predisposition; Hereditary neoplastic syndrome. Identifiers: Orphanet 140162, MedGen C0027672, MeSH D009386, MONDO:0015356.

Allele frequency attached by ClinVar (database versions not stated): gnomAD exomes below 0.00001.
gnomAD v4.1: 6 of 1,612,070 alleles (0.00037%); highest among the groups gnomAD compares: Admixed American, 0.0017%; no homozygotes.

Submissions (3):

Labcorp Genetics (formerly Invitae), Labcorp
Classification: Uncertain significance for Familial adenomatous polyposis 1. Last evaluated: 2025-12-15. Review status: criteria provided, single submitter. Criteria: Invitae Variant Classification Sherloc (09022015). Collection method: clinical testing. Allele origin: germline.
Comment: This sequence change replaces threonine, which is neutral and polar, with isoleucine, which is neutral and non-polar, at codon 185 of the APC protein (p.Thr185Ile). This variant is present in population databases (no rsID available, gnomAD 0.003%). This variant has not been reported in the literature in individuals affected with APC-related conditions. ClinVar contains an entry for this variant (Variation ID: 853289). Invitae Evidence Modeling of protein sequence and biophysical properties (such as structural, functional, and spatial information, amino acid conservation, physicochemical variation, residue mobility, and thermodynamic stability) indicates that this missense variant is not expected to disrupt APC protein function with a negative predictive value of 95%. In summary, the available evidence is currently insufficient to determine the role of this variant in disease. Therefore, it has been classified as a Variant of Uncertain Significance.

All of Us Research Program, National Institutes of Health
Classification: Uncertain significance for Classic or attenuated familial adenomatous polyposis. Last evaluated: 2023-08-28. Review status: criteria provided, single submitter. Criteria: ACMG Guidelines, 2015. Collection method: clinical testing. Allele origin: germline. Inheritance: Autosomal dominant inheritance. Observed: 1 variant allele, 1 heterozygote.
Comment: This missense variant replaces threonine with isoleucine at codon 185 of the APC protein. Computational prediction suggests that this variant may not impact protein structure and function (internally defined REVEL score threshold <= 0.5, PMID: 27666373). To our knowledge, functional studies have not been reported for this variant. This variant has not been reported in individuals affected with APC-related disorders in the literature. This variant has been identified in 1/250612 chromosomes in the general population by the Genome Aggregation Database (gnomAD). The available evidence is insufficient to determine the role of this variant in disease conclusively. Therefore, this variant is classified as a Variant of Uncertain Significance.

This study involves interpretation of variants in research participants for the purpose of population health screening. Participant phenotype was not available at the time of variant classification. Additional details can be found in publication PMID: 35346344, PMCID: PMC8962531

Ambry Genetics
Classification: Uncertain significance for Hereditary cancer-predisposing syndrome. Last evaluated: 2023-01-30. Review status: criteria provided, single submitter. Criteria: Ambry Variant Classification Scheme 2023. Collection method: clinical testing. Allele origin: germline.
Comment: The p.T185I variant (also known as c.554C>T), located in coding exon 5 of the APC gene, results from a C to T substitution at nucleotide position 554. The threonine at codon 185 is replaced by isoleucine, an amino acid with similar properties. This amino acid position is well conserved in available vertebrate species. In addition, in silico predictors for this gene do not accurately predict pathogenicity. Since supporting evidence is limited at this time, the clinical significance of this alteration remains unclear.

NM_000038.6(APC):c.554C>T (p.Thr185Ile)

Gene: APC (APC regulator of Wnt signaling pathway; plus strand). Cytogenetic location: 5q22.2.
Variant type: single nucleotide variant.
Coding change: c.554C>T on transcript NM_000038.6 (MANE Select); coding-DNA position 554, C replaced by T.
Protein change: p.Thr185Ile; replaces threonine 185 with isoleucine.
Molecular consequence: missense variant. On other transcripts: 5 prime UTR variant (1).
Genome position (GRCh38, 1-based): chr5:112,780,812, C>T. VCF-style: chr5-112780812-C-T. GRCh37 (hg19) VCF-style: chr5-112116509-C-T.
Other names: c.554C>T, p.Thr185Ile (NM_001127510.3, NM_001354895.2, NM_001354896.2 and 2 more transcripts); c.584C>T, p.Thr195Ile (NM_001127511.3, NM_001354897.2, NM_001354902.2); c.479C>T, p.Thr160Ile (NM_001354898.2, NM_001354904.2); c.377C>T, p.Thr126Ile (NM_001354900.2, NM_001354901.2, NM_001354905.2); c.-482C>T (NM_001354906.2); short protein forms T160I, T126I, T195I, T185I.
Identifiers: ClinVar variation 853289 (VCV000853289.15), dbSNP rs1484797510, ClinGen allele CA16022547.